The following is an entry in ClinVar:

ClinVar aggregate classification (germline): Uncertain significance (1 of 4 stars; one submission).

Allele frequency attached by ClinVar (database versions not stated): TOPMed below 0.00001.
gnomAD v4.1: 2 of 1,613,398 alleles (0.00012%); highest among the groups gnomAD compares: Non-Finnish European, 0.000085%; no homozygotes.

Submission:

Ambry Genetics
Classification: Uncertain significance. Last evaluated: 2025-01-06. Review status: criteria provided, single submitter. Criteria: Ambry Variant Classification Scheme 2023. Collection method: clinical testing. Allele origin: germline.
Comment: The p.I1265K variant (also known as c.3794T>A), located in coding exon 7 of the MLH3 gene, results from a T to A substitution at nucleotide position 3794. The isoleucine at codon 1265 is replaced by lysine, an amino acid with dissimilar properties. This amino acid position is conserved. In addition, the in silico prediction for this alteration is inconclusive. Since supporting evidence is limited at this time, the clinical significance of this alteration remains unclear.

NM_001040108.2(MLH3):c.3794T>A (p.Ile1265Lys)

Gene: MLH3 (mutL homolog 3; minus strand). Cytogenetic location: 14q24.3.
Variant type: single nucleotide variant.
Coding change: c.3794T>A on transcript NM_001040108.2 (MANE Select); coding-DNA position 3794, T replaced by A.
Protein change: p.Ile1265Lys; replaces isoleucine 1265 with lysine.
Molecular consequence: missense variant.
Genome position (GRCh38, 1-based): chr14:75,032,101, A>T on the plus strand (T>A on the coding strand, the complement: MLH3 is on the minus strand). VCF-style: chr14-75032101-A-T. GRCh37 (hg19) VCF-style: chr14-75498804-A-T.
Other names: c.3722T>A, p.Ile1241Lys (NM_014381.3); short protein forms I1265K, I1241K.
Identifiers: ClinVar variation 1734969 (VCV001734969.3), dbSNP rs1469661101, ClinGen allele CA390424824.